The following is an entry in ClinVar:

ClinVar aggregate classification (germline): Likely benign. Review status: criteria provided, multiple submitters, no conflicts (2 of 4 stars). 2 submissions from 2 submitters: Likely benign (2). Last evaluated 2025-06-17.

Conditions:
Bardet-Biedl syndrome (BBS). Identifiers: Orphanet 110, MedGen C0752166, MONDO:0015229.
WDPCP-related disorder. Also called: WDPCP-related condition.

Allele frequency attached by ClinVar (database versions not stated): TOPMed below 0.00001; gnomAD exomes 0.00001 and 0.00005.
gnomAD v4.1: 76 of 1,614,196 alleles (0.0047%); highest among the groups gnomAD compares: Non-Finnish European, 0.0064%; no homozygotes.

Submissions (2):

PreventionGenetics, part of Exact Sciences
Classification: Likely benign for WDPCP-related condition. Last evaluated: 2025-06-17. Review status: criteria provided, single submitter. Criteria: ACMG Guidelines, 2015. Collection method: clinical testing. Allele origin: germline.
Comment: This variant is classified as likely benign based on ACMG/AMP sequence variant interpretation guidelines (Richards et al. 2015 PMID: 25741868, with internal and published modifications).

Labcorp Genetics (formerly Invitae), Labcorp
Classification: Likely benign for Bardet-Biedl syndrome. Last evaluated: 2024-05-19. Review status: criteria provided, single submitter. Criteria: Invitae Variant Classification Sherloc (09022015). Collection method: clinical testing. Allele origin: germline.

NM_015910.7(WDPCP):c.1095A>G (p.Glu365=)

Gene: WDPCP (WD repeat containing planar cell polarity effector; minus strand). Cytogenetic location: 2p15.
Variant type: single nucleotide variant.
Coding change: c.1095A>G on transcript NM_015910.7 (MANE Select); coding-DNA position 1095, A replaced by G.
Protein change: p.Glu365=; no amino-acid change (glutamic acid 365 retained).
Molecular consequence: synonymous variant. On other transcripts: non-coding transcript variant (3).
Genome position (GRCh38, 1-based): chr2:63,404,388, T>C on the plus strand (A>G on the coding strand, the complement: WDPCP is on the minus strand). VCF-style: chr2-63404388-T-C. GRCh37 (hg19) VCF-style: chr2-63631523-T-C.
Other names: c.618A>G, p.Glu206= (NM_001042692.3); c.1023A>G, p.Glu341= (NM_001354044.2); c.1095A>G, p.Glu365= (NM_001354045.2).
Identifiers: ClinVar variation 704213 (VCV000704213.9), dbSNP rs1475351110, ClinGen allele CA426421027.
Genomic context (GRCh38, chr2:63,404,388, plus strand): 5'-GCAGCTTATTAATGAAGGCAAAAGTTCAGTCTGTGCTAAGAGAGTCACTCTACGGTGAGT[T>C]TCATAAAGAATTAGCGAAGAATCTTCACAGCCCAGAATCAGTTTGTCTTCAGTAACATTC-3'
Protein context (NP_056994.3, residues 355-375): GCEDSSLILY[Glu365=]THRRVTLLAQ